The following is an entry in ClinVar:

NM_000295.5(SERPINA1):c.718G>A (p.Val240Met)

Gene: SERPINA1 (serpin family A member 1; minus strand). Cytogenetic location: 14q32.13.
Variant type: single nucleotide variant.
Coding change: c.718G>A on transcript NM_000295.5 (MANE Select); coding-DNA position 718, G replaced by A.
Protein change: p.Val240Met; replaces valine 240 with methionine.
Molecular consequence: missense variant.
Genome position (GRCh38, 1-based): chr14:94,381,070, C>T on the plus strand (G>A on the coding strand, the complement: SERPINA1 is on the minus strand). VCF-style: chr14-94381070-C-T. GRCh37 (hg19) VCF-style: chr14-94847407-C-T.
Other names: c.718G>A, p.Val240Met (NM_001002235.3, NM_001002236.3, NM_001127700.2 and 7 more transcripts); short protein forms V240M.
Identifiers: ClinVar variation 593453 (VCV000593453.18), dbSNP rs72552401, ClinGen allele CA7327419.

ClinVar aggregate classification (germline): Conflicting classifications of pathogenicity. Review status: criteria provided, conflicting classifications (1 of 4 stars). 4 submissions from 4 submitters: Uncertain significance (2); Likely benign (1). 1 of the submissions does not count toward it. Last evaluated 2026-04-01.

Conditions:
Alpha-1-antitrypsin deficiency (A1ATD). Also called: Alpha1-Antitrypsin Deficiency; AAT deficiency; A1AT deficiency. Identifiers: Orphanet 60, MedGen C0221757, MONDO:0013282, OMIM 613490.
SERPINA1-related disorder. Also called: SerpinA1-related disorders; SERPINA1-related condition.

Allele frequency attached by ClinVar (database versions not stated): ESP Exome Variant Server 0.00008; gnomAD exomes 0.00009 and 0.00035; gnomAD 0.00011 and 0.00017; TOPMed 0.00022; ExAC 0.00029; 1000 Genomes Project 30x 0.00156; 1000 Genomes Project 0.00180.
gnomAD v4.1: 162 of 1,614,010 alleles (0.01%); highest among the groups gnomAD compares: East Asian, 0.22%; no homozygotes.

Submissions (4):

CeGaT Center for Human Genetics Tuebingen
Classification: Uncertain significance. Last evaluated: 2026-04-01. Review status: criteria provided, single submitter. Criteria: CeGaT Center For Human Genetics Tuebingen Variant Classification Criteria Version 2. Collection method: clinical testing. Allele origin: germline. Affected: yes. Observed: 1 variant allele.
Comment: SERPINA1: PM2

Labcorp Genetics (formerly Invitae), Labcorp
Classification: Likely benign for Alpha-1-antitrypsin deficiency. Last evaluated: 2026-01-02. Review status: criteria provided, single submitter. Criteria: Invitae Variant Classification Sherloc (09022015). Collection method: clinical testing. Allele origin: germline.

Eurofins Ntd Llc (ga)
Classification: Uncertain significance. Last evaluated: 2017-07-28. Review status: criteria provided, single submitter. Criteria: EGL Classification Definitions 2015. Collection method: clinical testing. Allele origin: germline. Observed: 2 variant alleles, 2 heterozygotes.

PreventionGenetics, part of Exact Sciences
Classification: Likely benign for SERPINA1-related condition. Last evaluated: 2022-11-23. Review status: no assertion criteria provided. Collection method: clinical testing. Allele origin: germline. Not counted in ClinVar's aggregate classification.
Comment: This variant is classified as likely benign based on ACMG/AMP sequence variant interpretation guidelines (Richards et al. 2015 PMID: 25741868, with internal and published modifications).